The following is an entry in ClinVar:

ClinVar aggregate classification (germline): Uncertain significance (1 of 4 stars; one submission).

Allele frequency attached by ClinVar (database versions not stated): gnomAD exomes below 0.00001.
gnomAD v4.1: 2 of 1,614,178 alleles (0.00012%); highest among the groups gnomAD compares: Admixed American, 0.0017%; no homozygotes.

Submission:

Labcorp Genetics (formerly Invitae), Labcorp
Classification: Uncertain significance. Last evaluated: 2025-02-03. Review status: criteria provided, single submitter. Criteria: Invitae Variant Classification Sherloc (09022015). Collection method: clinical testing. Allele origin: germline.
Comment: This sequence change replaces valine, which is neutral and non-polar, with glycine, which is neutral and non-polar, at codon 384 of the PRPF8 protein (p.Val384Gly). This variant is not present in population databases (gnomAD no frequency). This variant has not been reported in the literature in individuals affected with PRPF8-related conditions. ClinVar contains an entry for this variant (Variation ID: 2131036). Invitae Evidence Modeling of protein sequence and biophysical properties (such as structural, functional, and spatial information, amino acid conservation, physicochemical variation, residue mobility, and thermodynamic stability) indicates that this missense variant is not expected to disrupt PRPF8 protein function with a negative predictive value of 80%. In summary, the available evidence is currently insufficient to determine the role of this variant in disease. Therefore, it has been classified as a Variant of Uncertain Significance.

NM_006445.4(PRPF8):c.1151T>G (p.Val384Gly)

Gene: PRPF8 (pre-mRNA processing factor 8; minus strand). Cytogenetic location: 17p13.3.
Variant type: single nucleotide variant.
Coding change: c.1151T>G on transcript NM_006445.4 (MANE Select); coding-DNA position 1151, T replaced by G.
Protein change: p.Val384Gly; replaces valine 384 with glycine.
Molecular consequence: missense variant.
Genome position (GRCh38, 1-based): chr17:1,679,747, A>C on the plus strand (T>G on the coding strand, the complement: PRPF8 is on the minus strand). VCF-style: chr17-1679747-A-C. GRCh37 (hg19) VCF-style: chr17-1583041-A-C.
Other names: short protein forms V384G.
Identifiers: ClinVar variation 2131036 (VCV002131036.4), dbSNP rs1175025670, ClinGen allele CA397565030.
Genomic context (GRCh38, chr17:1,679,747, plus strand): 5'-AGGGCAATGCCATTGGCTGTATTGTCTGTATAGAGGGGTGTGTCCTTCAGGAAGGGCTCC[A>C]CAAACTCCGGGAGCTCAAATTCCTCATCATCATCCGGCAATGGTTCCTGGCTCTGAAAAA-3'
Protein context (NP_006436.3, residues 374-394): DDEEFELPEF[Val384Gly]EPFLKDTPLY